The following is an entry in ClinVar:

ClinVar aggregate classification (germline): Conflicting classifications of pathogenicity. Review status: criteria provided, conflicting classifications (1 of 4 stars). 4 submissions from 4 submitters: Likely pathogenic (2); Uncertain significance (1). 1 of the submissions does not count toward it. Last evaluated 2025-05-29.

Conditions:
Rothmund-Thomson syndrome type 4. Identifiers: MedGen C5935619, MONDO:0970950, OMIM 620819.
Seckel syndrome 8 (SCKL8). Identifiers: Orphanet 808, MedGen C3891452, MONDO:0014350, OMIM 615807.
Mitochondrial DNA deletion syndrome with progressive myopathy. Also called: Progressive external ophthalmoplegia with mitochondrial DNA deletions, autosomal dominant 6; PROGRESSIVE EXTERNAL OPHTHALMOPLEGIA, AUTOSOMAL DOMINANT 6. Identifiers: Orphanet 352470, MedGen C3554599, MONDO:0014062, OMIM 615156.

Allele frequency attached by ClinVar (database versions not stated): gnomAD exomes 0.00001; gnomAD 0.00001; TOPMed 0.00001.

Submissions (4):

First Genomix Gene Laboratory, Genetic Diagnostics Department
Classification: Likely pathogenic for Seckel syndrome 8; Rothmund-Thomson syndrome type 4. Last evaluated: 2025-05-29. Review status: criteria provided, single submitter. Criteria: ACMG Guidelines, 2015. Collection method: clinical testing. Allele origin: germline. Inheritance: Autosomal recessive inheritance. Affected: no. Observed: 1 variant allele.

Neuberg Centre For Genomic Medicine, NCGM
Classification: Likely pathogenic for Mitochondrial DNA deletion syndrome with progressive myopathy. Last evaluated: 2023-06-22. Review status: criteria provided, single submitter. Criteria: ACMG Guidelines, 2015. Collection method: clinical testing. Allele origin: germline. Inheritance: Autosomal dominant inheritance. Affected: yes.
Comment: The observed missense c.593G>A(p.Arg198His) variant in DNA2 gene has been reported previously in heterozygous state in individual(s) affected with progressive external ophthalmoplegia (PEO) (Ronchi et al., 2013). This variant is reported with the allele frequency of 0.001% in the gnomAD Exomes. This variant has been reported to the ClinVar database as Uncertain Significance / Pathogenic. The amino acid Arg at position 198 is changed to a His changing protein sequence and it might alter its composition and physico-chemical properties. The amino acid change p.Arg198His in DNA2 is predicted as conserved by GERP++ and PhyloP across 100 vertebrates. Computational evidence (Polyphen - Benign, SIFT - Tolerated, and MutationTaster - Polymorphism) predicts conflicting evidence on protein structure and function for this variant. In vitro functional expression assays showed that the R284H mutant protein had a complete loss of nuclease activity and severely impaired helicase activity (Ronchi et al., 2013). Same amino acid change as a previously established pathogenic variant regardless of nucleotide change. For these reasons, this variant has been classified as Likely Pathogenic.

Revvity Omics, Revvity
Classification: Uncertain significance. Last evaluated: 2021-09-01. Review status: criteria provided, single submitter. Criteria: ACMG Guidelines, 2015. Collection method: clinical testing. Allele origin: germline.

OMIM
Classification: Pathogenic for PROGRESSIVE EXTERNAL OPHTHALMOPLEGIA WITH MITOCHONDRIAL DNA DELETIONS, AUTOSOMAL DOMINANT 6. Last evaluated: 2013-02-07. Review status: no assertion criteria provided. Collection method: literature only. Allele origin: germline. Not counted in ClinVar's aggregate classification.

Literature cited by the submitters: PubMed 23352259 (cited by OMIM).

NM_001080449.3(DNA2):c.593G>A (p.Arg198His)

Gene: DNA2 (DNA replication helicase/nuclease 2; minus strand). Cytogenetic location: 10q21.3.
Variant type: single nucleotide variant.
Coding change: c.593G>A on transcript NM_001080449.3 (MANE Select); coding-DNA position 593, G replaced by A.
Protein change: p.Arg198His; replaces arginine 198 with histidine.
Molecular consequence: missense variant. On other transcripts: non-coding transcript variant (1).
Genome position (GRCh38, 1-based): chr10:68,459,230, C>T on the plus strand (G>A on the coding strand, the complement: DNA2 is on the minus strand). VCF-style: chr10-68459230-C-T. GRCh37 (hg19) VCF-style: chr10-70218987-C-T.
Other names: R284H; short protein forms R198H.
Identifiers: ClinVar variation 41477 (VCV000041477.7), dbSNP rs1272393477, ClinGen allele CA376864956.